The following is an entry in ClinVar:

NM_001161352.2(KCNMA1):c.2948C>G (p.Pro983Arg)

Genes: KCNMA1 (potassium calcium-activated channel subfamily M alpha 1; minus strand), KCNMA1-AS1 (KCNMA1 antisense RNA 1; plus strand). Cytogenetic location: 10q22.3.
Variant type: single nucleotide variant.
Coding change: c.2948C>G on transcript NM_001161352.2 (MANE Select); coding-DNA position 2948, C replaced by G.
Protein change: p.Pro983Arg; replaces proline 983 with arginine.
Molecular consequence: missense variant.
Genome position (GRCh38, 1-based): chr10:76,915,004, G>C on the plus strand (C>G on the coding strand, the complement: KCNMA1 is on the minus strand). VCF-style: chr10-76915004-G-C. GRCh37 (hg19) VCF-style: chr10-78674762-G-C.
Other names: c.2786C>G, p.Pro929Arg (NM_001014797.3, NM_001322835.2, NM_001322837.2); c.2897C>G, p.Pro966Arg (NM_001161353.2); c.2624C>G, p.Pro875Arg (NM_001271518.2); c.2783C>G, p.Pro928Arg (NM_001271519.2, NM_001322829.2, NM_001322836.2); c.2795C>G, p.Pro932Arg (NM_001322830.2); c.2774C>G, p.Pro925Arg (NM_001322832.2, NM_001410940.1, NM_002247.4); c.2321C>G, p.Pro774Arg (NM_001322838.2); short protein forms P928R, P932R, P925R, P774R, P983R, P875R, P929R, P966R.
Identifiers: ClinVar variation 1936405 (VCV001936405.5), dbSNP rs756684453, ClinGen allele CA5567953.

ClinVar aggregate classification (germline): Uncertain significance (1 of 4 stars; one submission).

Conditions:
Generalized epilepsy-paroxysmal dyskinesia syndrome (PNKD3). Also called: Generalized epilepsy and paroxysmal dyskinesia; Paroxysmal nonkinesigenic dyskinesia, 3, with or without generalized epilepsy. Identifiers: Orphanet 79137, MedGen C5574945, MONDO:0012276, OMIM 609446.

Allele frequency attached by ClinVar (database versions not stated): gnomAD exomes below 0.00001; ExAC 0.00001.
gnomAD v4.1: 4 of 1,613,658 alleles (0.00025%); highest among the groups gnomAD compares: Non-Finnish European, 0.00034%; no homozygotes.

Submission:

Labcorp Genetics (formerly Invitae), Labcorp
Classification: Uncertain significance for Generalized epilepsy-paroxysmal dyskinesia syndrome. Last evaluated: 2025-11-17. Review status: criteria provided, single submitter. Criteria: Invitae Variant Classification Sherloc (09022015). Collection method: clinical testing. Allele origin: germline.
Comment: This sequence change replaces proline, which is neutral and non-polar, with arginine, which is basic and polar, at codon 925 of the KCNMA1 protein (p.Pro925Arg). This variant is present in population databases (rs756684453, gnomAD 0.002%). This variant has not been reported in the literature in individuals affected with KCNMA1-related conditions. ClinVar contains an entry for this variant (Variation ID: 1936405). An algorithm developed to predict the effect of missense changes on protein structure and function (PolyPhen-2) suggests that this variant is likely to be disruptive. In summary, the available evidence is currently insufficient to determine the role of this variant in disease. Therefore, it has been classified as a Variant of Uncertain Significance.